The following is an entry in ClinVar:

ClinVar aggregate classification (germline): Uncertain significance (1 of 4 stars; one submission).

Submission:

Ambry Genetics
Classification: Uncertain significance. Last evaluated: 2026-05-15. Review status: criteria provided, single submitter. Criteria: Ambry Variant Classification Scheme 2023. Collection method: clinical testing. Allele origin: germline.
Comment: The p.L53V variant (also known as c.157C>G), located in coding exon 1 of the GEN1 gene, results from a C to G substitution at nucleotide position 157. The leucine at codon 53 is replaced by valine, an amino acid with highly similar properties. This amino acid position is conserved. In addition, this alteration is predicted to be deleterious by in silico analysis. Based on the available evidence, the clinical significance of this variant remains unclear.

NM_001130009.3(GEN1):c.157C>G (p.Leu53Val)

Gene: GEN1 (GEN1 structure-specific endonuclease; plus strand). Cytogenetic location: 2p24.2.
Variant type: single nucleotide variant.
Coding change: c.157C>G on transcript NM_001130009.3 (MANE Select); coding-DNA position 157, C replaced by G.
Protein change: p.Leu53Val; replaces leucine 53 with valine.
Molecular consequence: missense variant.
Genome position (GRCh38, 1-based): chr2:17,760,100, C>G. VCF-style: chr2-17760100-C-G. GRCh37 (hg19) VCF-style: chr2-17941367-C-G.
Other names: c.157C>G, p.Leu53Val (NM_182625.5); short protein forms L53V.
Identifiers: ClinVar variation 4857974 (VCV004857974.1).